The following is an entry in ClinVar:

NM_001928.4(CFD):c.79C>G (p.Leu27Val)

Gene: CFD (complement factor D; plus strand). Cytogenetic location: 19p13.3.
Variant type: single nucleotide variant.
Coding change: c.79C>G on transcript NM_001928.4 (MANE Select); coding-DNA position 79, C replaced by G.
Protein change: p.Leu27Val; replaces leucine 27 with valine.
Molecular consequence: missense variant.
Genome position (GRCh38, 1-based): chr19:860,640, C>G. VCF-style: chr19-860640-C-G. GRCh37 (hg19) VCF-style: chr19-860640-C-G.
Other names: c.100C>G, p.Leu34Val (NM_001317335.2); short protein forms L27V, L34V.
Identifiers: ClinVar variation 2067534 (VCV002067534.4), dbSNP rs2035773222, ClinGen allele CA402920560.
Genomic context (GRCh38, chr19:860,640, plus strand): 5'-TCCACCCCGCGGCCCTCACGCGCCCGCCCACCCACAGCGGCGCCGCCCCGTGGTCGGATC[C>G]TGGGCGGCAGAGAGGCCGAGGCGCACGCGCGGCCCTACATGGCGTCGGTGCAGCTGAACG-3'
Protein context (NP_001919.2, residues 17-37): ACAAPPRGRI[Leu27Val]GGREAEAHAR

ClinVar aggregate classification (germline): Uncertain significance (1 of 4 stars; one submission).

Submission:

Labcorp Genetics (formerly Invitae), Labcorp
Classification: Uncertain significance. Last evaluated: 2022-09-19. Review status: criteria provided, single submitter. Criteria: Invitae Variant Classification Sherloc (09022015). Collection method: clinical testing. Allele origin: germline.
Comment: In summary, the available evidence is currently insufficient to determine the role of this variant in disease. Therefore, it has been classified as a Variant of Uncertain Significance. Algorithms developed to predict the effect of missense changes on protein structure and function output the following: SIFT: "Not Available"; PolyPhen-2: "Possibly Damaging"; Align-GVGD: "Not Available". The valine amino acid residue is found in multiple mammalian species, which suggests that this missense change does not adversely affect protein function. This variant has not been reported in the literature in individuals affected with CFD-related conditions. This variant is not present in population databases (gnomAD no frequency). This sequence change replaces leucine, which is neutral and non-polar, with valine, which is neutral and non-polar, at codon 27 of the CFD protein (p.Leu27Val).